The following is an entry in ClinVar:

ClinVar aggregate classification (germline): Benign (1 of 4 stars; one submission).

Allele frequency attached by ClinVar (database versions not stated): gnomAD exomes 0.69563; TOPMed 0.69629; 1000 Genomes Project 0.73223; 1000 Genomes Project 30x 0.73345; gnomAD 0.69021 and 0.69361.
gnomAD v4.1: 436,469 of 627,506 alleles (70%); highest among the groups gnomAD compares: South Asian, 78%; 152,338 homozygotes.

Submission:

GeneDx
Classification: Benign. Last evaluated: 2018-06-14. Review status: criteria provided, single submitter. Criteria: GeneDx Variant Classification (06012015). Collection method: clinical testing. Allele origin: germline. Affected: yes.
Comment: This variant is considered likely benign or benign based on one or more of the following criteria: it is a conservative change, it occurs at a poorly conserved position in the protein, it is predicted to be benign by multiple in silico algorithms, and/or has population frequency not consistent with disease.

NM_000093.5(COL5A1):c.5067+119C>T

Genes: COL5A1 (collagen type V alpha 1 chain; plus strand), LOC101448202 (uncharacterized LOC101448202; minus strand). Cytogenetic location: 9q34.3.
Variant type: single nucleotide variant.
Coding change: c.5067+119C>T on transcript NM_000093.5 (MANE Select); 119 bases into the intron after coding-DNA position 5067, C replaced by T.
Molecular consequence: intron variant.
Genome position (GRCh38, 1-based): chr9:134,826,023, C>T. VCF-style: chr9-134826023-C-T. GRCh37 (hg19) VCF-style: chr9-137717869-C-T.
Other names: c.5067+119C>T (NM_001278074.1).
Identifiers: ClinVar variation 672279 (VCV000672279.1), dbSNP rs4842172, ClinGen allele CA12975209.
Genomic context (GRCh38, chr9:134,826,023, plus strand): 5'-CCGAGGGCTTCAAGCATTTCTTGTATATGCAGCTTTAAGACTGAAAGCCAGAAATGAATC[C>T]GTTTCATCAGTGAAACTGTTCTTTCAGAAGTAGACCTGAAATTGTTTTAAGAAATTTTTT-3'